The following is an entry in ClinVar:

ClinVar aggregate classification (germline): Likely benign. Review status: criteria provided, multiple submitters, no conflicts (2 of 4 stars). 5 submissions from 5 submitters: Likely benign (5). Last evaluated 2026-03-27.

Conditions:
Cardiovascular phenotype. Identifiers: MedGen CN230736.
ALPK3-related disorder. Also called: ALPK3-related condition.
Cardiomyopathy, familial hypertrophic 27. Identifiers: MedGen C4748014, MONDO:0054838, OMIM 618052.

Allele frequency attached by ClinVar (database versions not stated): TOPMed 0.00003; gnomAD 0.00004.
gnomAD v4.1: 83 of 1,613,854 alleles (0.0051%); highest among the groups gnomAD compares: African/African-American, 0.0093%; no homozygotes.

Submissions (5):

Molecular Diagnostic Laboratory for Inherited Cardiovascular Disease, Montreal Heart Institute
Classification: Likely benign. Last evaluated: 2026-03-27. Review status: criteria provided, single submitter. Criteria: ACMG Guidelines, 2015. Collection method: clinical testing. Allele origin: germline. Affected: no.
Comment: BP7

PreventionGenetics, part of Exact Sciences
Classification: Likely benign for ALPK3-related condition. Last evaluated: 2026-01-12. Review status: criteria provided, single submitter. Criteria: ACMG Guidelines, 2015. Collection method: clinical testing. Allele origin: germline.
Comment: This variant is classified as likely benign based on ACMG/AMP sequence variant interpretation guidelines (Richards et al. 2015 PMID: 25741868, with internal and published modifications).

Labcorp Genetics (formerly Invitae), Labcorp
Classification: Likely benign. Last evaluated: 2025-10-13. Review status: criteria provided, single submitter. Criteria: Invitae Variant Classification Sherloc (09022015). Collection method: clinical testing. Allele origin: germline.

ARUP Laboratories, Molecular Genetics and Genomics, ARUP Laboratories
Classification: Likely benign for Cardiomyopathy, familial hypertrophic 27. Last evaluated: 2024-06-21. Review status: criteria provided, single submitter. Criteria: ARUP Molecular Germline Variant Investigation Process 2024. Collection method: clinical testing. Allele origin: germline.

Ambry Genetics
Classification: Likely benign for Cardiovascular phenotype. Last evaluated: 2022-05-24. Review status: criteria provided, single submitter. Criteria: Ambry Variant Classification Scheme 2023. Collection method: clinical testing. Allele origin: germline.

NM_020778.5(ALPK3):c.2505G>A (p.Pro835=)

Gene: ALPK3 (alpha kinase 3; plus strand). Cytogenetic location: 15q25.3.
Variant type: single nucleotide variant.
Coding change: c.2505G>A on transcript NM_020778.5 (MANE Select); coding-DNA position 2505, G replaced by A.
Protein change: p.Pro835=; no amino-acid change (proline 835 retained).
Molecular consequence: synonymous variant.
Genome position (GRCh38, 1-based): chr15:84,857,243, G>A. VCF-style: chr15-84857243-G-A. GRCh37 (hg19) VCF-style: chr15-85400474-G-A.
Identifiers: ClinVar variation 1727753 (VCV001727753.10), dbSNP rs766790616, ClinGen allele CA7709432.